The following is an entry in ClinVar:

NM_000038.6(APC):c.465del (p.Asp156fs)

Gene: APC (APC regulator of Wnt signaling pathway; plus strand). Cytogenetic location: 5q22.2.
Variant type: Deletion.
Coding change: c.465del on transcript NM_000038.6 (MANE Select); coding-DNA position 465, one base deleted (A; older notation c.465delA).
Protein change: p.Asp156fs; shifts the reading frame from aspartic acid 156.
Molecular consequence: frameshift variant. On other transcripts: 5 prime UTR variant (1).
Genome position (GRCh38, 1-based): chr5:112,775,671, A deleted; the last of 5 consecutive A bases (chr5:112,775,667-112,775,671); deleting any one gives the same sequence. VCF-style (leftmost placement, unchanged base first): chr5-112775666-GA-G. GRCh37 (hg19) VCF-style: chr5-112111363-GA-G.
Other names: c.465del (NM_000038.5); c.465del, p.Asp156fs (NM_001127510.3, NM_001354895.2, NM_001354896.2 and 2 more transcripts); c.495del, p.Asp166fs (NM_001127511.3, NM_001354897.2, NM_001354902.2); c.390del, p.Asp131fs (NM_001354898.2, NM_001354904.2); c.288del, p.Asp97fs (NM_001354900.2, NM_001354901.2, NM_001354905.2); c.-571del (NM_001354906.2); short protein forms D97fs, D156fs, D131fs, D166fs.
Identifiers: ClinVar variation 486788 (VCV000486788.16), dbSNP rs1554071529, ClinGen allele CA658657475.
Genomic context (GRCh38, chr5:112,775,666, plus strand): 5'-TTTTTTTAAAAAAAAAAAAATAGGTCATTGCTTCTTGCTGATCTTGACAAAGAAGAAAAG[GA>G]AAAAGACTGGTATTACGCTCAACTTCAGAATCTCACTAAAAGAATAGATAGTCTTCCTTT-3'

ClinVar aggregate classification (germline): Pathogenic. Review status: criteria provided, multiple submitters, no conflicts (2 of 4 stars). 2 submissions from 2 submitters: Pathogenic (2). Last evaluated 2019-11-27.

Conditions:
Hereditary cancer-predisposing syndrome. Also called: Tumor predisposition; Hereditary Cancer Syndrome; Hereditary neoplastic syndrome; Neoplastic Syndromes, Hereditary. Identifiers: Orphanet 140162, MedGen C0027672, MeSH D009386, MONDO:0015356.
Familial adenomatous polyposis 1 (FAP1). Also called: FAMILIAL ADENOMATOUS POLYPOSIS 1, ATTENUATED; POLYPOSIS, ADENOMATOUS INTESTINAL. Identifiers: MedGen C2713442, MONDO:0021056, OMIM 175100. Disease mechanism: loss of function.

Submissions (2):

Labcorp Genetics (formerly Invitae), Labcorp
Classification: Pathogenic for Familial adenomatous polyposis 1. Last evaluated: 2019-11-27. Review status: criteria provided, single submitter. Criteria: Invitae Variant Classification Sherloc (09022015). Collection method: clinical testing. Allele origin: germline.
Comment: For these reasons, this variant has been classified as Pathogenic. Loss-of-function variants in APC are known to be pathogenic (PMID: 17963004, 20685668). This variant has been observed in individual(s) with clinical features of familial adenomatous polyposis (Invitae). ClinVar contains an entry for this variant (Variation ID: 486788). This variant is not present in population databases (ExAC no frequency). This sequence change creates a premature translational stop signal (p.Asp156Thrfs*14) in the APC gene. It is expected to result in an absent or disrupted protein product.

Ambry Genetics
Classification: Pathogenic for Hereditary cancer-predisposing syndrome. Last evaluated: 2017-07-18. Review status: criteria provided, single submitter. Criteria: Ambry Variant Classification Scheme 2023. Collection method: clinical testing. Allele origin: germline.
Comment: The c.465delA pathogenic mutation, located in coding exon 4 of the APC gene, results from a deletion of one nucleotide at nucleotide position 465, causing a translational frameshift with a predicted alternate stop codon (p.D156Tfs*14). This alteration is expected to result in loss of function by premature protein truncation or nonsense-mediated mRNA decay. As such, this alteration is interpreted as a disease-causing mutation.

Literature cited by the submitters: PubMed 17963004 (cited by Labcorp Genetics (formerly Invitae), Labcorp); PubMed 20685668 (cited by Labcorp Genetics (formerly Invitae), Labcorp).